The following is an entry in ClinVar:

NM_133478.3(SLC4A5):c.801C>T (p.Tyr267=)

Gene: SLC4A5 (solute carrier family 4 member 5; minus strand). Cytogenetic location: 2p13.1.
Variant type: single nucleotide variant.
Coding change: c.801C>T on transcript NM_133478.3 (MANE Select); coding-DNA position 801, C replaced by T.
Protein change: p.Tyr267=; no amino-acid change (tyrosine 267 retained).
Molecular consequence: synonymous variant.
Genome position (GRCh38, 1-based): chr2:74,262,147, G>A on the plus strand (C>T on the coding strand, the complement: SLC4A5 is on the minus strand). VCF-style: chr2-74262147-G-A. GRCh37 (hg19) VCF-style: chr2-74489274-G-A.
Other names: c.453C>T, p.Tyr151= (NM_001386136.1); c.801C>T, p.Tyr267= (NM_021196.3).
Identifiers: ClinVar variation 3056387 (VCV003056387.2), dbSNP rs143084298, ClinGen allele CA1721037.

ClinVar aggregate classification (germline): Likely benign (0 of 4 stars; one submission).

Conditions:
SLC4A5-related disorder. Also called: SLC4A5-related condition.

Allele frequency attached by ClinVar (database versions not stated): 1000 Genomes Project 30x 0.00031; gnomAD exomes 0.00035; ESP Exome Variant Server 0.00038; 1000 Genomes Project 0.00040; ExAC 0.00058; gnomAD 0.00066; TOPMed 0.00086.
gnomAD v4.1: 609 of 1,613,542 alleles (0.038%); highest among the groups gnomAD compares: Admixed American, 0.18%; 1 homozygote.

Submission:

PreventionGenetics, part of Exact Sciences
Classification: Likely benign for SLC4A5-related condition. Last evaluated: 2019-05-01. Review status: no assertion criteria provided. Collection method: clinical testing. Allele origin: germline.
Comment: This variant is classified as likely benign based on ACMG/AMP sequence variant interpretation guidelines (Richards et al. 2015 PMID: 25741868, with internal and published modifications).